The following is an entry in ClinVar:

NM_003482.4(KMT2D):c.1419A>T (p.Glu473Asp)

Gene: KMT2D (lysine methyltransferase 2D; minus strand). Cytogenetic location: 12q13.12.
Variant type: single nucleotide variant.
Coding change: c.1419A>T on transcript NM_003482.4 (MANE Select); coding-DNA position 1419, A replaced by T.
Protein change: p.Glu473Asp; replaces glutamic acid 473 with aspartic acid.
Molecular consequence: missense variant.
Genome position (GRCh38, 1-based): chr12:49,052,264, T>A on the plus strand (A>T on the coding strand, the complement: KMT2D is on the minus strand). VCF-style: chr12-49052264-T-A. GRCh37 (hg19) VCF-style: chr12-49446047-T-A.
Other names: short protein forms E473D.
Identifiers: ClinVar variation 1310804 (VCV001310804.2), dbSNP rs2120684188, ClinGen allele CA384674998.
Genomic context (GRCh38, chr12:49,052,264, plus strand): 5'-GGGCGATTCCTCCAGCGGCCGGGACAGGTGCAATGCCTCAGGAAGTGGGGATGCGGGCAA[T>A]TCCTCAGGTGGTGGTGACAGGCGTGATGCCTCAGGTGGTGGGGACGTGGGTGATTCCTCA-3'
Protein context (NP_003473.3, residues 463-483): EASRLSPPPE[Glu473Asp]LPASPLPEAL

ClinVar aggregate classification (germline): Uncertain significance (1 of 4 stars; one submission).

Allele frequency attached by ClinVar (database versions not stated): gnomAD exomes 0.00001.

Submission:

GeneDx
Classification: Uncertain significance. Last evaluated: 2019-12-09. Review status: criteria provided, single submitter. Criteria: GeneDx Variant Classification Process June 2021. Collection method: clinical testing. Allele origin: germline. Affected: yes.
Comment: Not observed in large population cohorts (Lek et al., 2016); In silico analysis, which includes protein predictors and evolutionary conservation, supports that this variant does not alter protein structure/function; Has not been previously published as pathogenic or benign to our knowledge